The following is an entry in ClinVar:

ClinVar aggregate classification (germline): Uncertain significance (1 of 4 stars; one submission).

gnomAD v4.1: 4 of 1,614,082 alleles (0.00025%); highest among the groups gnomAD compares: African/African-American, 0.0053%; no homozygotes.

Submission:

GeneDx
Classification: Uncertain significance. Last evaluated: 2024-12-19. Review status: criteria provided, single submitter. Criteria: GeneDx Variant Classification Process June 2021. Collection method: clinical testing. Allele origin: germline. Affected: yes.
Comment: In silico analysis supports that this missense variant has a deleterious effect on protein structure/function; Has not been previously published as pathogenic or benign to our knowledge

NM_015378.4(VPS13D):c.3112A>G (p.Ser1038Gly)

Gene: VPS13D (vacuolar protein sorting 13 homolog D; plus strand). Cytogenetic location: 1p36.22.
Variant type: single nucleotide variant.
Coding change: c.3112A>G on transcript NM_015378.4 (MANE Select); coding-DNA position 3112, A replaced by G.
Protein change: p.Ser1038Gly; replaces serine 1038 with glycine.
Molecular consequence: missense variant.
Genome position (GRCh38, 1-based): chr1:12,276,700, A>G. VCF-style: chr1-12276700-A-G. GRCh37 (hg19) VCF-style: chr1-12336757-A-G.
Other names: c.3112A>G, p.Ser1038Gly (NM_018156.4); short protein forms S1038G.
Identifiers: ClinVar variation 3906366 (VCV003906366.1).
Genomic context (GRCh38, chr1:12,276,700, plus strand): 5'-CTTTTGATGGCTTCACATAAGAACTTGAGCTTTGATATTCCAACGGGAAGCCTTCGGGAT[A>G]GCAGGGCCCAGTCTCCTGTCTCTGGACCGAATGTGGCCCACTTAACTGATGGAGCTACAC-3'
Protein context (NP_056193.2, residues 1028-1048): FDIPTGSLRD[Ser1038Gly]RAQSPVSGPN